The following is an entry in ClinVar:

ClinVar aggregate classification (germline): Pathogenic (1 of 4 stars; one submission).

Submission:

Labcorp Genetics (formerly Invitae), Labcorp
Classification: Pathogenic. Last evaluated: 2023-02-27. Review status: criteria provided, single submitter. Criteria: Invitae Variant Classification Sherloc (09022015). Collection method: clinical testing. Allele origin: germline.
Comment: For these reasons, this variant has been classified as Pathogenic. This variant has not been reported in the literature in individuals affected with HELLS-related conditions. This variant is not present in population databases (gnomAD no frequency). This sequence change creates a premature translational stop signal (p.Glu101*) in the HELLS gene. It is expected to result in an absent or disrupted protein product. Loss-of-function variants in HELLS are known to be pathogenic (PMID: 26216346).

Literature cited by the submitters: PubMed 26216346.

NM_018063.5(HELLS):c.301G>T (p.Glu101Ter)

Gene: HELLS (helicase, lymphoid specific; plus strand). Cytogenetic location: 10q23.33.
Variant type: single nucleotide variant.
Coding change: c.301G>T on transcript NM_018063.5 (MANE Select); coding-DNA position 301, G replaced by T.
Protein change: p.Glu101Ter; replaces glutamic acid 101 with a stop codon.
Molecular consequence: nonsense. On other transcripts: 5 prime UTR variant (4).
Genome position (GRCh38, 1-based): chr10:94,558,163, G>T. VCF-style: chr10-94558163-G-T. GRCh37 (hg19) VCF-style: chr10-96317920-G-T.
Other names: c.-72G>T (NM_001289071.2); c.301G>T, p.Glu101Ter (NM_001289072.2, NM_001289067.2, NM_001289069.2 and 1 more transcripts); c.-49G>T (NM_001289073.2); c.-702G>T (NM_001289074.2); c.-721G>T (NM_001289075.2); c.253G>T, p.Glu85Ter (NM_001289068.2); short protein forms E85*, E101*.
Identifiers: ClinVar variation 2834655 (VCV002834655.3), dbSNP rs2493088769, ClinGen allele CA377654104.